The following is an entry in ClinVar:

NM_005629.4(SLC6A8):c.489T>G (p.Phe163Leu)

Gene: SLC6A8 (solute carrier family 6 member 8; plus strand). Cytogenetic location: Xq28.
Variant type: single nucleotide variant.
Coding change: c.489T>G on transcript NM_005629.4 (MANE Select); coding-DNA position 489, T replaced by G.
Protein change: p.Phe163Leu; replaces phenylalanine 163 with leucine.
Molecular consequence: missense variant.
Genome position (GRCh38, 1-based): chrX:153,691,398, T>G. VCF-style: chrX-153691398-T-G. GRCh37 (hg19) VCF-style: chrX-152956853-T-G.
Other names: c.489T>G, p.Phe163Leu (NM_001142805.2); c.144T>G, p.Phe48Leu (NM_001142806.1); short protein forms F163L, F48L.
Identifiers: ClinVar variation 3253310 (VCV003253310.1), dbSNP rs2522155960.
Genomic context (GRCh38, chrX:153,691,398, plus strand): 5'-CTGCAACACCTACTACATCATGGTGCTGGCCTGGGGCTTCTATTACCTGGTCAAGTCCTT[T>G]ACCACCACGCTGCCCTGGGCCACATGTGGCCACACCTGGAACACTCCCGACTGCGTGGAG-3'
Protein context (NP_005620.1, residues 153-173): AWGFYYLVKS[Phe163Leu]TTTLPWATCG

ClinVar aggregate classification (germline): Uncertain significance (1 of 4 stars; one submission).

Allele frequency attached by ClinVar (database versions not stated): gnomAD exomes below 0.00001.
gnomAD v4.1: 3 of 1,209,671 alleles (0.00025%); highest among the groups gnomAD compares: Non-Finnish European, 0.00034%; no homozygotes.

Submission:

GeneDx
Classification: Uncertain significance. Last evaluated: 2024-06-07. Review status: criteria provided, single submitter. Criteria: GeneDx Variant Classification Process June 2021. Collection method: clinical testing. Allele origin: germline. Affected: yes.
Comment: Not observed at significant frequency in large population cohorts (gnomAD); In silico analysis supports that this missense variant has a deleterious effect on protein structure/function; Has not been previously published as pathogenic or benign to our knowledge